The following continues an entry in ClinVar:

NM_005199.5(CHRNG):c.753_754del (p.Val253fs)

Gene: CHRNG. ClinVar aggregate classification (germline): Pathogenic. Pathogenic (16).

Submissions 16 to 20 of 20:

Neuberg Centre For Genomic Medicine, NCGM
Classification: Pathogenic for Lethal multiple pterygium syndrome. Review status: criteria provided, single submitter. Criteria: ACMG Guidelines, 2015. Collection method: clinical testing. Allele origin: germline. Inheritance: Autosomal recessive inheritance. Affected: yes.
Comment: The frameshift c.753_754del(p.Val253AlafsTer44) variant in CHRNG gene has been reported previously in homozygous and compound heterozygous states in individual(s) affected with Multiple pterygium syndrome (Chong JX, et. al., 2015; Kariminejad A, et. al., 2016). The p.Val253AlafsTer44 variant has been reported with allele frequency of 0.02% in gnomAD Exomes and is novel (not in any individuals) in 1000 Genomes. This variant has been reported to the ClinVar database as Pathogenic (multiple submissions). This variant causes a frameshift starting with codon Valine 253, changes this amino acid to Alanine residue, and creates a premature Stop codon at position 44 of the new reading frame, denoted p.Val253AlafsTer44. This variant is predicted to cause loss of normal protein function through protein truncation. Loss of function variants have been previously reported to be disease causing. For these reasons, this variant has been classified as Pathogenic.

Department of Reproductive Genetics, International Peace Maternity and Child Health Hospital, Shanghai Jiao Tong University School of Medicine
Classification: Pathogenic for Multiple pterygium syndrome, lethal type. Last evaluated: 2025-05-01. Review status: no assertion criteria provided. Collection method: clinical testing. Allele origin: inherited. Affected: yes. Not counted in ClinVar's aggregate classification.
Comment: The variant in the CHRNG gene results in a frameshift and introduces a premature termination codon at position 44 downstream of codon 253 (p.Val253AlafsTer44). This was predicted to cause nonsense-mediated mRNA decay (NMD), leading to loss of protein expression. Loss-of-function was a well-established mechanism of disease for CHRNG-related disorders.This variant has been observed in multiple affected individuals reported in the literature and submitted to ClinVar (Variation ID: 18342) as Pathogenic.

OMIM
Classification: Pathogenic for MULTIPLE PTERYGIUM SYNDROME, LETHAL TYPE. Last evaluated: 2015-04-01. Review status: no assertion criteria provided. Collection method: literature only. Allele origin: germline. Not counted in ClinVar's aggregate classification.

OMIM
Classification: Pathogenic for ESCOBAR SYNDROME. Last evaluated: 2015-04-01. Review status: no assertion criteria provided. Collection method: literature only. Allele origin: germline. Not counted in ClinVar's aggregate classification.

Lupski Lab, Baylor-Hopkins CMG, Baylor College of Medicine
Classification: Pathogenic for Autosomal recessive multiple pterygium syndrome. Review status: no assertion criteria provided. Collection method: research. Allele origin: inherited. Inheritance: Autosomal recessive inheritance. Affected: yes. Observed: 12 variant alleles, 8 heterozygotes, 4 homozygotes. Not counted in ClinVar's aggregate classification.

Literature cited by the submitters: PubMed 16826531 (cited by 5 submitters); PubMed 16826520 (cited by Labcorp Genetics (formerly Invitae), Labcorp and Department of Reproductive Genetics, International Peace Maternity and Child Health Hospital, Shanghai Jiao Tong University School of Medicine); PubMed 22167768 (cited by 3 submitters); PubMed 24038971 (cited by 3 submitters); PubMed 25608830 (cited by 3 submitters); PubMed 27245440 (cited by 4 submitters); PubMed 31230720 (cited by Women's Health and Genetics/Laboratory Corporation of America, LabCorp); PubMed 25957469 (cited by Illumina Laboratory Services, Illumina and Department of Reproductive Genetics, International Peace Maternity and Child Health Hospital, Shanghai Jiao Tong University School of Medicine); PubMed 26752647 (cited by 3 submitters); PubMed 32587836 (cited by Department of Reproductive Genetics, International Peace Maternity and Child Health Hospital, Shanghai Jiao Tong University School of Medicine).